The following is an entry in ClinVar:

NM_139276.3(STAT3):c.1393T>G (p.Ser465Ala)

Gene: STAT3 (signal transducer and activator of transcription 3; minus strand). Cytogenetic location: 17q21.2.
Variant type: single nucleotide variant.
Coding change: c.1393T>G on transcript NM_139276.3 (MANE Select); coding-DNA position 1393, T replaced by G.
Protein change: p.Ser465Ala; replaces serine 465 with alanine.
Molecular consequence: missense variant.
Genome position (GRCh38, 1-based): chr17:42,325,034, A>C on the plus strand (T>G on the coding strand, the complement: STAT3 is on the minus strand). VCF-style: chr17-42325034-A-C. GRCh37 (hg19) VCF-style: chr17-40477052-A-C.
Other names: c.1393T>G, p.Ser465Ala (NM_001384993.1, NM_003150.4, NM_213662.2 and 11 more transcripts); c.1309T>G, p.Ser437Ala (NM_001384984.1); c.1315T>G, p.Ser439Ala (NM_001384985.1); c.1408T>G, p.Ser470Ala (NM_001384986.1, NM_001384990.1); c.1297T>G, p.Ser433Ala (NM_001384989.1); c.1333T>G, p.Ser445Ala (NM_001384992.1); short protein forms S465A, S433A, S437A, S439A, S445A, S470A.
Identifiers: ClinVar variation 657396 (VCV000657396.1), dbSNP rs1598397592, ClinGen allele CA399587307.
Genomic context (GRCh38, chr17:42,325,034, plus strand): 5'-TGGTCAGCATGTTGTACCACAGGATGGACGCCCAGGCATTTGGCATCTGACAGATGTTGG[A>C]GATCACCACAACTGGCAAGGAGTGGGTCTGCGGAGGGAGTGGGGACTGAGCTGGGGAGGC-3'
Protein context (NP_644805.1, residues 455-475): ETHSLPVVVI[Ser465Ala]NICQMPNAWA

ClinVar aggregate classification (germline): Uncertain significance (1 of 4 stars; one submission).

Conditions:
STAT3 gain of function. Identifiers: MedGen C4288261.
Hyper-IgE recurrent infection syndrome 1, autosomal dominant. Also called: JOB SYNDROME; HYPER-IgE SYNDROME 1, AUTOSOMAL DOMINANT, WITH RECURRENT INFECTIONS; STAT3 Hyper IgE Syndrome; Hyper-IgE recurrent infection syndrome 1; Job's Syndrome. Identifiers: Orphanet 2314, MedGen C2936739, MONDO:0007818, OMIM 147060.

Submission:

Labcorp Genetics (formerly Invitae), Labcorp
Classification: Uncertain significance for STAT3 gain of function; Hyper-IgE recurrent infection syndrome 1, autosomal dominant. Last evaluated: 2018-08-23. Review status: criteria provided, single submitter. Criteria: Invitae Variant Classification Sherloc (09022015). Collection method: clinical testing. Allele origin: germline.
Comment: This sequence change replaces serine with alanine at codon 465 of the STAT3 protein (p.Ser465Ala). The serine residue is highly conserved and there is a moderate physicochemical difference between serine and alanine. This variant is not present in population databases (ExAC no frequency). This variant has been observed in an individual affected withÂ¬â€ hyper-IgE syndromeÂ¬â€ (PMID:Â¬â€ 17881745). Experimental studies have shown that this missense changeÂ¬â€ affects normal STAT3 protein function (PMID:Â¬â€ 26384563). In summary, the available evidence is currently insufficient to determine the role of this variant in disease. Therefore, it has been classified as a Variant of Uncertain Significance.